The following is an entry in ClinVar:

NC_000008.10:g.(?_100108530)_(100182401_?)del

Gene: VPS13B (vacuolar protein sorting 13 homolog B; plus strand). Cytogenetic location: 8q22.2.
Variant type: Deletion.
Identifiers: ClinVar variation 1459996 (VCV001459996.3).

ClinVar aggregate classification (germline): Pathogenic (1 of 4 stars; one submission).

Conditions:
Cohen syndrome (COH1). Also called: PEPPER SYNDROME; Cutis verticis gyrata, retinitis pigmentosa, and sensorineural deafness. Identifiers: Orphanet 193, MedGen C0265223, MONDO:0008999, OMIM 216550.

Submission:

Labcorp Genetics (formerly Invitae), Labcorp
Classification: Pathogenic for Cohen syndrome. Last evaluated: 2021-09-15. Review status: criteria provided, single submitter. Criteria: Invitae Variant Classification Sherloc (09022015). Collection method: clinical testing. Allele origin: germline.
Comment: This variant is a gross deletion of the genomic region encompassing exon(s) 4-16 of the VPS13B gene. This deletion is out-of-frame, and is expected to create a premature termination codon and result in an absent or disrupted protein product. Loss-of-function variants in VPS13B are known to be pathogenic (PMID: 15141358, 16648375, 20461111). A similar copy number variant has been observed in individual(s) with Cohen syndrome (PMID: 19533689). For these reasons, this variant has been classified as Pathogenic.

Literature cited by the submitters: PubMed 15141358; PubMed 16648375; PubMed 20461111; PubMed 19533689.